The following is an entry in ClinVar:

ClinVar aggregate classification (germline): Benign/Likely benign. Review status: criteria provided, multiple submitters, no conflicts (2 of 4 stars). 6 submissions from 6 submitters: Benign (1); Likely benign (4). 1 of the submissions does not count toward it. Last evaluated 2025-12-19.

Conditions:
PLEC-related disorder. Also called: PLEC-related condition; PLEC-related disorders.
Inborn genetic diseases. Identifiers: MedGen C0950123, MeSH D030342.
Autosomal recessive limb-girdle muscular dystrophy type 2Q (LGMDR17). Also called: MUSCULAR DYSTROPHY, LIMB-GIRDLE, AUTOSOMAL RECESSIVE 17. Identifiers: Orphanet 254361, MedGen C3150989, MONDO:0013390, OMIM 613723.
Epidermolysis bullosa simplex 5B, with muscular dystrophy (EBS5B). Also called: EPIDERMOLYSIS BULLOSA SIMPLEX AND LIMB-GIRDLE MUSCULAR DYSTROPHY; Epidermolysis bullosa simplex with muscular dystrophy. Identifiers: Orphanet 257, MedGen C2931072, MONDO:0009181, OMIM 226670.
Epidermolysis bullosa simplex with nail dystrophy (EBS5D). Identifiers: MedGen C4225309, MONDO:0014661, OMIM 616487.
Epidermolysis bullosa simplex 5C, with pyloric atresia (EBS5C). Also called: PLEC-Related Epidermolysis Bullosa with Pyloric Atresia; PLEC1-Related Epidermolysis Bullosa with Pyloric Atresia; Epidermolysis bullosa simplex with pyloric atresia. Identifiers: Orphanet 158684, MedGen C2677349, MONDO:0012807, OMIM 612138.
Epidermolysis bullosa simplex, Ogna type (EBS5A). Also called: Pidermolysis bullosa simplex 5A, Ogna type; EPIDERMOLYSIS BULLOSA SIMPLEX 5A, OGNA TYPE. Identifiers: Orphanet 79401, MedGen C0432317, MONDO:0007555, OMIM 131950.

Allele frequency attached by ClinVar (database versions not stated): 1000 Genomes Project 0.00020; gnomAD exomes 0.00021; 1000 Genomes Project 30x 0.00031; ESP Exome Variant Server 0.00039; ExAC 0.00048; TOPMed 0.00105.
gnomAD v4.1: 315 of 1,559,342 alleles (0.02%); highest among the groups gnomAD compares: African/African-American, 0.31%; no homozygotes.

Submissions (6):

Labcorp Genetics (formerly Invitae), Labcorp
Classification: Benign for Autosomal recessive limb-girdle muscular dystrophy type 2Q; Epidermolysis bullosa simplex, Ogna type; Epidermolysis bullosa simplex with nail dystrophy; Epidermolysis bullosa simplex 5C, with pyloric atresia; Epidermolysis bullosa simplex 5B, with muscular dystrophy. Last evaluated: 2025-12-19. Review status: criteria provided, single submitter. Criteria: Invitae Variant Classification Sherloc (09022015). Collection method: clinical testing. Allele origin: germline.

Blueprint Genetics
Classification: Likely benign. Last evaluated: 2024-03-13. Review status: criteria provided, single submitter. Criteria: ACMG Guidelines, 2015. Collection method: clinical testing. Allele origin: germline.

Ambry Genetics
Classification: Likely benign for Inborn genetic diseases. Last evaluated: 2023-10-28. Review status: criteria provided, single submitter. Criteria: Ambry Variant Classification Scheme 2023. Collection method: clinical testing. Allele origin: germline.

GeneDx
Classification: Likely benign. Last evaluated: 2019-06-18. Review status: criteria provided, single submitter. Criteria: GeneDx Variant Classification Process June 2021. Collection method: clinical testing. Allele origin: germline. Affected: yes.

Eurofins Ntd Llc (ga)
Classification: Likely benign. Last evaluated: 2016-07-19. Review status: criteria provided, single submitter. Criteria: EGL Classification Definitions 2015. Collection method: clinical testing. Allele origin: germline. Observed: 3 variant alleles, 3 heterozygotes.

PreventionGenetics, part of Exact Sciences
Classification: Likely benign for PLEC-related condition. Last evaluated: 2019-05-23. Review status: no assertion criteria provided. Collection method: clinical testing. Allele origin: germline. Not counted in ClinVar's aggregate classification.
Comment: This variant is classified as likely benign based on ACMG/AMP sequence variant interpretation guidelines (Richards et al. 2015 PMID: 25741868, with internal and published modifications).

NM_201384.3(PLEC):c.4101C>T (p.Ala1367=)

Gene: PLEC (plectin; minus strand). Cytogenetic location: 8q24.3.
Variant type: single nucleotide variant.
Coding change: c.4101C>T on transcript NM_201384.3 (MANE Select); coding-DNA position 4101, C replaced by T.
Protein change: p.Ala1367=; no amino-acid change (alanine 1367 retained).
Molecular consequence: synonymous variant.
Genome position (GRCh38, 1-based): chr8:143,925,828, G>A on the plus strand (C>T on the coding strand, the complement: PLEC is on the minus strand). VCF-style: chr8-143925828-G-A. GRCh37 (hg19) VCF-style: chr8-144999996-G-A.
Other names: c.4182C>T, p.Ala1394= (NM_000445.5); c.4059C>T, p.Ala1353= (NM_201378.4); c.4035C>T, p.Ala1345= (NM_201379.3); c.4512C>T, p.Ala1504= (NM_201380.4); c.4005C>T, p.Ala1335= (NM_201381.3); c.4101C>T, p.Ala1367= (NM_201382.4); c.4113C>T, p.Ala1371= (NM_201383.3).
Identifiers: ClinVar variation 283968 (VCV000283968.18), dbSNP rs376065732, ClinGen allele CA4926768.